The following is an entry in ClinVar:

ClinVar aggregate classification (germline): Likely benign. Review status: criteria provided, multiple submitters, no conflicts (2 of 4 stars). 3 submissions from 3 submitters: Likely benign (2). 1 of the submissions does not count toward it. Last evaluated 2026-01-28.

Conditions:
SATB2-related disorder. Also called: SATB2-related condition.
Inborn genetic diseases. Identifiers: MedGen C0950123, MeSH D030342.
Chromosome 2q32-q33 deletion syndrome (GLASS). Also called: Glass syndrome; 2q33.1 deletion syndrome. Identifiers: Orphanet 251019, MedGen C2676739, MONDO:0012864, OMIM 612313.

Allele frequency attached by ClinVar (database versions not stated): ExAC 0.00002; gnomAD 0.00004; gnomAD exomes 0.00004; TOPMed 0.00009; 1000 Genomes Project 0.00020; 1000 Genomes Project 30x 0.00031.
gnomAD v4.1: 61 of 1,614,068 alleles (0.0038%); highest among the groups gnomAD compares: East Asian, 0.018%; no homozygotes.

Submissions (3):

Labcorp Genetics (formerly Invitae), Labcorp
Classification: Likely benign for Chromosome 2q32-q33 deletion syndrome. Last evaluated: 2026-01-28. Review status: criteria provided, single submitter. Criteria: Invitae Variant Classification Sherloc (09022015). Collection method: clinical testing. Allele origin: germline.

Ambry Genetics
Classification: Likely benign for Inborn genetic diseases. Last evaluated: 2020-01-29. Review status: criteria provided, single submitter. Criteria: Ambry Variant Classification Scheme 2023. Collection method: clinical testing. Allele origin: germline.

PreventionGenetics, part of Exact Sciences
Classification: Likely benign for SATB2-related condition. Last evaluated: 2019-04-09. Review status: no assertion criteria provided. Collection method: clinical testing. Allele origin: germline. Not counted in ClinVar's aggregate classification.
Comment: This variant is classified as likely benign based on ACMG/AMP sequence variant interpretation guidelines (Richards et al. 2015 PMID: 25741868, with internal and published modifications).

NM_001172509.2(SATB2):c.420C>T (p.Ala140=)

Gene: SATB2 (SATB homeobox 2; minus strand). Cytogenetic location: 2q33.1.
Variant type: single nucleotide variant.
Coding change: c.420C>T on transcript NM_001172509.2 (MANE Select); coding-DNA position 420, C replaced by T.
Protein change: p.Ala140=; no amino-acid change (alanine 140 retained).
Molecular consequence: synonymous variant.
Genome position (GRCh38, 1-based): chr2:199,381,747, G>A on the plus strand (C>T on the coding strand, the complement: SATB2 is on the minus strand). VCF-style: chr2-199381747-G-A. GRCh37 (hg19) VCF-style: chr2-200246470-G-A.
Other names: c.420C>T, p.Ala140= (NM_001172517.1, NM_015265.4).
Identifiers: ClinVar variation 756669 (VCV000756669.15), dbSNP rs202223477, ClinGen allele CA2046090.